The following is an entry in ClinVar:

ClinVar aggregate classification (germline): Pathogenic/Likely pathogenic. Review status: criteria provided, multiple submitters, no conflicts (2 of 4 stars). 16 submissions from 15 submitters: Pathogenic (14); Likely pathogenic (1). 1 of the submissions does not count toward it. Last evaluated 2025-06-22.

Conditions:
TUBA1A-related disorder. Also called: TUBA1A-related condition.
Tubulinopathy. Also called: Tubulinopathies. Identifiers: MedGen CN850169, MONDO:0100153.
Inborn genetic diseases. Identifiers: MedGen C0950123, MeSH D030342.
Lissencephaly due to TUBA1A mutation (CDCBM16). Also called: Lissencephaly 3; CORTICAL DYSPLASIA, COMPLEX, WITH OTHER BRAIN MALFORMATIONS 16. Identifiers: Orphanet 171680, MedGen C4305153, MONDO:0012703, OMIM 611603.

Submissions (16):

Labcorp Genetics (formerly Invitae), Labcorp
Classification: Pathogenic. Last evaluated: 2025-06-22. Review status: criteria provided, single submitter. Criteria: Invitae Variant Classification Sherloc (09022015). Collection method: clinical testing. Allele origin: germline.
Comment: This sequence change replaces arginine, which is basic and polar, with histidine, which is basic and polar, at codon 214 of the TUBA1A protein (p.Arg214His). This variant is not present in population databases (gnomAD no frequency). This missense change has been observed in individual(s) with lissencephaly, including several cases in which the variant was observed to be de novo (PMID: 24860126, 26130693, 29158550; internal data). In at least one individual the variant was observed to be de novo. ClinVar contains an entry for this variant (Variation ID: 372542). Invitae Evidence Modeling of protein sequence and biophysical properties (such as structural, functional, and spatial information, amino acid conservation, physicochemical variation, residue mobility, and thermodynamic stability) indicates that this missense variant is not expected to disrupt TUBA1A protein function with a negative predictive value of 80%. Experimental studies have shown that this missense change affects TUBA1A function (PMID: 26130693). For these reasons, this variant has been classified as Pathogenic.

Blueprint Genetics
Classification: Pathogenic for TUBA1A-related disorders. Last evaluated: 2024-08-08. Review status: criteria provided, single submitter. Criteria: ACMG Guidelines, 2015. Collection method: clinical testing. Allele origin: germline. Affected: yes. Observed: 1 variant allele.

GeneDx
Classification: Pathogenic. Last evaluated: 2024-07-16. Review status: criteria provided, single submitter. Criteria: GeneDx Variant Classification Process June 2021. Collection method: clinical testing. Allele origin: germline. Affected: yes.
Comment: Not observed in large population cohorts (gnomAD); In silico analysis supports that this missense variant has a deleterious effect on protein structure/function; Missense variants in this gene are a common cause of disease and they are underrepresented in the general population; This variant is associated with the following publications: (PMID: 29158550, 26130693, 26934450, 25059107, 24860126, 28677066, 30744660, 30087272, 32570172)

Daryl Scott Lab, Baylor College of Medicine
Classification: Pathogenic for Lissencephaly due to TUBA1A mutation. Last evaluated: 2023-11-10. Review status: criteria provided, single submitter. Criteria: ACMG Guidelines, 2015. Collection method: clinical testing. Allele origin: de novo. Affected: yes.

3billion
Classification: Pathogenic for Lissencephaly due to TUBA1A mutation. Last evaluated: 2022-05-22. Review status: criteria provided, single submitter. Criteria: ACMG Guidelines, 2015. Collection method: clinical testing. Allele origin: germline. Affected: yes. Observed: 1 heterozygote.
Comment: The variant is not observed in the gnomAD v2.1.1 dataset. Missense changes are a common disease-causing mechanism. In silico tool predictions suggest damaging effect of the variant on gene or gene product (REVEL: 0.79; 3Cnet: 0.97). Same nucleotide change resulting in same amino acid change has been previously reported as pathogenic/likely pathogenic with strong evidence (ClinVar ID: VCV000372542). Different missense changes at the same codon (p.Arg214Cys, p.Arg214Leu) have been reported as pathogenic/likely pathogenic with strong evidence (ClinVar ID: VCV000432708, VCV001187068). Therefore, this variant is classified as pathogenic according to the recommendation of ACMG/AMP guideline.

Laboratorio de Genetica e Diagnostico Molecular, Hospital Israelita Albert Einstein
Classification: Pathogenic for Lissencephaly due to TUBA1A mutation. Last evaluated: 2022-04-25. Review status: criteria provided, single submitter. Criteria: ACMG Guidelines, 2015. Collection method: clinical testing. Allele origin: germline. Affected: yes. Observed: 1 variant allele.
Comment: ACMG classification criteria: PS4 strong, PM2 moderated, PM6 moderated, PP2 supporting, PP3 supporting

Ambry Genetics
Classification: Pathogenic for Inborn genetic diseases. Last evaluated: 2020-11-10. Review status: criteria provided, single submitter. Criteria: Ambry Variant Classification Scheme 2023. Collection method: clinical testing. Allele origin: germline.
Comment: The c.641G>A (p.R214H) alteration is located in exon 4 (coding exon 4) of the TUBA1A gene. This alteration results from a G to A substitution at nucleotide position 641, causing the arginine (R) at amino acid position 214 to be replaced by a histidine (H). Based on data from the Genome Aggregation Database (gnomAD), the TUBA1A c.641G>A alteration was not observed, with coverage at this position. This alteration was reported de novo in multiple patients with developmental delay and abnormal brain MRI findings (Bahi-Buisson, 2014; Oegema, 2015; Hedebrand, 2019). The p.R214 amino acid is conserved in available vertebrate species. This missense alteration is located in a region that has a low rate of benign missense variation (Lek, 2016; Firth, 2009). Functional analysis in HEK93 cells following cold-induced depolymerization, demonstrated that the p.R214H alteration showed reduced microtubule reintegration compared to wildtype, suggesting that the arginine-to-histidine substitution subtly perturbs the rate that affected heterodimers integrate into growing microtubules (Oegema, 2015). The in silico prediction for the p.R214H alteration is inconclusive. Based on the available evidence, this alteration is classified as pathogenic.

Broad Center for Mendelian Genomics, Broad Institute of MIT and Harvard
Classification: Pathogenic for Lissencephaly due to TUBA1A mutation. Last evaluated: 2018-12-03. Review status: criteria provided, single submitter. Criteria: ACMG Guidelines, 2015. Collection method: research. Allele origin: de novo. Inheritance: Autosomal dominant inheritance. Affected: yes.
Comment: Trio exome analysis showed this variant to be de novo. This variant was absent from large population studies. Computational prediction tools and conservation analyses suggest that this variant may impact the protein, though this information is not predictive enough to determine pathogenicity. The TUBA1A gene has a low rate of benign missense variation, supporting that a change in this position may not be tolerated. This variant has been reported in ClinVar (Variation ID: 372542). Multiple reports of de novo inheritance of this variant were reported in ClinVar and the literature. In summary, the p.Arg214His variant is pathogenic based off of our findings, multiple de novo reports in ClinVar, and the literature. ACMG/AMP Criteria applied: PM2, PS2, PM6_Strong, PP2 (Richards 2015).

CeGaT Center for Human Genetics Tuebingen
Classification: Pathogenic. Last evaluated: 2018-12-01. Review status: criteria provided, single submitter. Criteria: CeGaT Center For Human Genetics Tuebingen Variant Classification Criteria Version 2. Collection method: clinical testing. Allele origin: germline. Affected: yes. Observed: 2 variant alleles.

Fulgent Genetics
Classification: Pathogenic for Lissencephaly due to TUBA1A mutation. Last evaluated: 2018-10-31. Review status: criteria provided, single submitter. Criteria: ACMG Guidelines, 2015. Collection method: clinical testing. Allele origin: unknown.

Baylor Genetics
Classification: Pathogenic for Lissencephaly due to TUBA1A mutation. Last evaluated: 2018-07-02. Review status: criteria provided, single submitter. Criteria: ACMG Guidelines, 2015. Collection method: clinical testing. Allele origin: de novo. Affected: yes.
Comment: This variant was determined to be pathogenic according to ACMG Guidelines, 2015 [PMID:25741868].

Institute of Human Genetics, FAU Erlangen, Friedrich-Alexander-Universität Erlangen-Nürnberg
Classification: Pathogenic for Tubulinopathies. Last evaluated: 2018-07-01. Review status: criteria provided, single submitter. Criteria: ACMG Guidelines, 2015. Collection method: literature only. Allele origin: de novo. Affected: yes. Observed: 4 variant alleles.
Comment: The c.641G>A, p.(Arg214His) variant has been reported as a variant of de novo origin. This variant and associated phenotype was previously reported by Oegema et al. Hum Mol Genet, 2015 PMID: 26130693. Other (NA); Cerebellar vermis hypoplasia (HP:0001320); no Abnormal morphology of the hippocampus (HP:0025100); Dilation of lateral ventricles (HP:0006956); Microcephaly (HP:0000252); Generalized tonic-clonic seizures (HP:0002069)

Institute of Human Genetics, FAU Erlangen, Friedrich-Alexander-Universität Erlangen-Nürnberg
Classification: Pathogenic for Lissencephaly due to TUBA1A mutation. Last evaluated: 2017-08-01. Review status: criteria provided, single submitter. Criteria: ACMG Guidelines, 2015. Collection method: clinical testing. Allele origin: de novo. Inheritance: Sporadic. Affected: yes.

Center for Pediatric Genomic Medicine, Children's Mercy Hospital and Clinics
Classification: Pathogenic. Last evaluated: 2017-02-03. Review status: criteria provided, single submitter. Criteria: ACMG Guidelines, 2015. Collection method: clinical testing. Allele origin: de novo.

Centre for Mendelian Genomics, University Medical Centre Ljubljana
Classification: Likely pathogenic for Lissencephaly due to TUBA1A mutation. Last evaluated: 2016-01-01. Review status: criteria provided, single submitter. Criteria: ACMG Guidelines, 2015. Collection method: clinical testing. Allele origin: unknown. Affected: yes.
Comment: This variant was classified as: Likely pathogenic.

Solve-RD Consortium
Classification: Pathogenic for Lissencephaly due to TUBA1A mutation. Last evaluated: 2024-09-01. Review status: no assertion criteria provided. Collection method: research. Allele origin: de novo. Affected: yes. Study: Solve-RD Consortium. Not counted in ClinVar's aggregate classification.
Comment: The variant has previously been described as a cause of lissencephaly 3 (PMID: 24860126). This variant was confirmed by the submitting clinician to impact a gene that corresponds with the phenotype of the affected individual, and thus deemed to be causative for their condition.

Variant identified during long-read sequencing analysis of unsolved cases by the Solve-RD project. The Solve-RD project has received funding from the European Union’s Horizon 2020 research and innovation programme under grant agreement No 779257.

Literature cited by the submitters: PubMed 24860126 (cited by 3 submitters); PubMed 26130693 (cited by Labcorp Genetics (formerly Invitae), Labcorp and Ambry Genetics); PubMed 29158550 (cited by Labcorp Genetics (formerly Invitae), Labcorp); PubMed 30744660 (cited by Ambry Genetics and Institute of Human Genetics, FAU Erlangen, Friedrich-Alexander-Universität Erlangen-Nürnberg); DOI 10.1101/427948 (cited by Institute of Human Genetics, FAU Erlangen, Friedrich-Alexander-Universität Erlangen-Nürnberg).

NM_006009.4(TUBA1A):c.641G>A (p.Arg214His)

Gene: TUBA1A (tubulin alpha 1a; minus strand). Cytogenetic location: 12q13.12.
Variant type: single nucleotide variant.
Coding change: c.641G>A on transcript NM_006009.4 (MANE Select); coding-DNA position 641, G replaced by A.
Protein change: p.Arg214His; replaces arginine 214 with histidine.
Molecular consequence: missense variant.
Genome position (GRCh38, 1-based): chr12:49,185,725, C>T on the plus strand (G>A on the coding strand, the complement: TUBA1A is on the minus strand). VCF-style: chr12-49185725-C-T. GRCh37 (hg19) VCF-style: chr12-49579508-C-T.
Other names: c.641G>A, p.Arg214His (NM_001270399.2); c.536G>A, p.Arg179His (NM_001270400.2); short protein forms R214H, R179H.
Identifiers: ClinVar variation 372542 (VCV000372542.66), dbSNP rs1057517843, ClinGen allele CA16042802.